The following is an entry in ClinVar:

NC_000012.11:g.(?_49432593)_(49433761_?)del

Gene: KMT2D (lysine methyltransferase 2D; minus strand). Cytogenetic location: 12q13.12.
Variant type: Deletion.
Identifiers: ClinVar variation 3244283 (VCV003244283.1).

ClinVar aggregate classification (germline): Pathogenic (1 of 4 stars; one submission).

Conditions:
Kabuki syndrome. Also called: NIIKAWA-KUROKI SYNDROME; Kabuki make-up syndrome. Identifiers: Orphanet 2322, MedGen C0796004, MONDO:0016512.

Submission:

Labcorp Genetics (formerly Invitae), Labcorp
Classification: Pathogenic for Kabuki syndrome. Last evaluated: 2020-07-16. Review status: criteria provided, single submitter. Criteria: Invitae Variant Classification Sherloc (09022015). Collection method: clinical testing. Allele origin: unknown.
Comment: For these reasons, this variant has been classified as Pathogenic. This variant is an out-of-frame deletion of the genomic region encompassing exon(s) 32-33 and part of exon 31 and exon 34 (c.7792_8546del) of the KMT2D gene. This is expected to create a premature translational stop signal and result in an absent or disrupted protein product. This variant has not been reported in the literature in individuals with KMT2D-related conditions. Loss-of-function variants in KMT2D are known to be pathogenic (PMID: 22126750).

Literature cited by the submitters: PubMed 22126750.